The following is an entry in ClinVar:

NM_201384.3(PLEC):c.5137C>G (p.Gln1713Glu)

Gene: PLEC (plectin; minus strand). Cytogenetic location: 8q24.3.
Variant type: single nucleotide variant.
Coding change: c.5137C>G on transcript NM_201384.3 (MANE Select); coding-DNA position 5137, C replaced by G.
Protein change: p.Gln1713Glu; replaces glutamine 1713 with glutamic acid.
Molecular consequence: missense variant. On other transcripts: intron variant (1).
Genome position (GRCh38, 1-based): chr8:143,924,792, G>C on the plus strand (C>G on the coding strand, the complement: PLEC is on the minus strand). VCF-style: chr8-143924792-G-C. GRCh37 (hg19) VCF-style: chr8-144998960-G-C.
Other names: c.5218C>G, p.Gln1740Glu (NM_000445.5); c.5095C>G, p.Gln1699Glu (NM_201378.4); c.5071C>G, p.Gln1691Glu (NM_201379.3); c.5548C>G, p.Gln1850Glu (NM_201380.4); c.5041C>G, p.Gln1681Glu (NM_201381.3); c.5137C>G, p.Gln1713Glu (NM_201382.4); c.5149C>G, p.Gln1717Glu (NM_201383.3); c.4125+1992C>G (NM_001410941.1); short protein forms Q1681E, Q1691E, Q1699E, Q1713E, Q1717E, Q1740E, Q1850E.
Identifiers: ClinVar variation 3758189 (VCV003758189.2).

ClinVar aggregate classification (germline): Uncertain significance (1 of 4 stars; one submission).

Conditions:
Epidermolysis bullosa simplex with nail dystrophy (EBS5D). Identifiers: MedGen C4225309, MONDO:0014661, OMIM 616487.
Epidermolysis bullosa simplex, Ogna type (EBS5A). Also called: Pidermolysis bullosa simplex 5A, Ogna type; EPIDERMOLYSIS BULLOSA SIMPLEX 5A, OGNA TYPE. Identifiers: Orphanet 79401, MedGen C0432317, MONDO:0007555, OMIM 131950.
Autosomal recessive limb-girdle muscular dystrophy type 2Q (LGMDR17). Also called: MUSCULAR DYSTROPHY, LIMB-GIRDLE, AUTOSOMAL RECESSIVE 17. Identifiers: Orphanet 254361, MedGen C3150989, MONDO:0013390, OMIM 613723.
Epidermolysis bullosa simplex 5B, with muscular dystrophy (EBS5B). Also called: EPIDERMOLYSIS BULLOSA SIMPLEX AND LIMB-GIRDLE MUSCULAR DYSTROPHY; Epidermolysis bullosa simplex with muscular dystrophy. Identifiers: Orphanet 257, MedGen C2931072, MONDO:0009181, OMIM 226670.
Epidermolysis bullosa simplex 5C, with pyloric atresia (EBS5C). Also called: PLEC-Related Epidermolysis Bullosa with Pyloric Atresia; Epidermolysis bullosa simplex with pyloric atresia; PLEC1-Related Epidermolysis Bullosa with Pyloric Atresia. Identifiers: Orphanet 158684, MedGen C2677349, MONDO:0012807, OMIM 612138.

Submission:

Labcorp Genetics (formerly Invitae), Labcorp
Classification: Uncertain significance for Autosomal recessive limb-girdle muscular dystrophy type 2Q; Epidermolysis bullosa simplex, Ogna type; Epidermolysis bullosa simplex with nail dystrophy; Epidermolysis bullosa simplex 5C, with pyloric atresia; Epidermolysis bullosa simplex 5B, with muscular dystrophy. Last evaluated: 2024-11-27. Review status: criteria provided, single submitter. Criteria: Invitae Variant Classification Sherloc (09022015). Collection method: clinical testing. Allele origin: germline.
Comment: This sequence change replaces glutamine, which is neutral and polar, with glutamic acid, which is acidic and polar, at codon 1740 of the PLEC protein (p.Gln1740Glu). This variant is not present in population databases (gnomAD no frequency). This variant has not been reported in the literature in individuals affected with PLEC-related conditions. Invitae Evidence Modeling of protein sequence and biophysical properties (such as structural, functional, and spatial information, amino acid conservation, physicochemical variation, residue mobility, and thermodynamic stability) indicates that this missense variant is not expected to disrupt PLEC protein function with a negative predictive value of 80%. In summary, the available evidence is currently insufficient to determine the role of this variant in disease. Therefore, it has been classified as a Variant of Uncertain Significance.